The following is an entry in ClinVar:

NM_004960.3(FUS):c.515_523+3del

Gene: FUS (FUS DNA/RNA binding protein; plus strand). Cytogenetic location: 16p11.2.
Variant type: Microsatellite.
Coding change: c.515_523+3del on transcript NM_004960.3; coding-DNA position 515 through 3 bases into the intron after coding-DNA position 523, 12 bases deleted (GAGGTGGAGGTG).
Genome position (GRCh38, 1-based): chr16:31,184,388-31,184,399, GAGGTGGAGGTG deleted; deleting any 12 consecutive bases within chr16:31,184,372-31,184,399 gives the same sequence; the c. name uses the placement nearest the transcript's 3' end. VCF-style (leftmost placement, unchanged base first): chr16-31184371-TGGTGGAGGTGGA-T. GRCh37 (hg19) VCF-style: chr16-31195692-TGGTGGAGGTGGA-T.
Other names: c.515_523+3del12 (NM_004960.3).
Identifiers: ClinVar variation 1256129 (VCV001256129.13), ClinGen allele CA8023636.

ClinVar aggregate classification (germline): Conflicting classifications of pathogenicity. Review status: criteria provided, conflicting classifications (1 of 4 stars). 5 submissions from 5 submitters: Uncertain significance (3); Likely benign (2). Last evaluated 2025-12-24.

Conditions:
Inborn genetic diseases. Identifiers: MedGen C0950123, MeSH D030342.
FUS-related disorder. Also called: FUS-related condition.
Amyotrophic lateral sclerosis type 6. Also called: FUS-Related Amyotrophic Laterial Sclerosis; AMYOTROPHIC LATERAL SCLEROSIS 6 WITHOUT FRONTOTEMPORAL DEMENTIA; Amyotrophic lateral sclerosis 6, with or without frontotemporal dementia. Identifiers: Orphanet 275872, Orphanet 803, MedGen C2931786, MONDO:0011951, OMIM 608030.
Tremor, hereditary essential, 4 (ETM4). Identifiers: MedGen C3539195, MONDO:0013888, OMIM 614782.

Submissions (5):

Labcorp Genetics (formerly Invitae), Labcorp
Classification: Uncertain significance for Tremor, hereditary essential, 4; Amyotrophic lateral sclerosis type 6. Last evaluated: 2025-12-24. Review status: criteria provided, single submitter. Criteria: Invitae Variant Classification Sherloc (09022015). Collection method: clinical testing. Allele origin: germline.
Comment: This variant, c.512_523del, results in the deletion of 4 amino acid(s) of the FUS protein (p.Gly172_Gly175del), but otherwise preserves the integrity of the reading frame. This variant is present in population databases (rs772959031, gnomAD 0.03%), and has an allele count higher than expected for a pathogenic variant. This variant has been observed in individual(s) with amyotrophic lateral sclerosis (PMID: 36549973; internal data). This variant is also known as c.515_523+3del. ClinVar contains an entry for this variant (Variation ID: 1256129). Experimental studies and prediction algorithms are not available or were not evaluated, and the functional significance of this variant is currently unknown. In summary, the available evidence is currently insufficient to determine the role of this variant in disease. Therefore, it has been classified as a Variant of Uncertain Significance.

PreventionGenetics, part of Exact Sciences
Classification: Uncertain significance for FUS-related condition. Last evaluated: 2023-04-24. Review status: criteria provided, single submitter. Criteria: ACMG Guidelines, 2015. Collection method: clinical testing. Allele origin: germline.
Comment: The FUS c.515_523+3del12 variant is predicted to result in a deletion affecting a canonical splice site. To our knowledge, this variant has not been reported in the literature. This variant is reported in 0.034% of alleles in individuals of Latino descent in gnomAD. Although we suspect that this variant may be benign, at this time, the clinical significance of this variant is uncertain due to the absence of conclusive functional and genetic evidence.

Athena Diagnostics
Classification: Likely benign. Last evaluated: 2021-05-05. Review status: criteria provided, single submitter. Criteria: Athena Diagnostics criteria. Collection method: clinical testing. Allele origin: unknown.

Ambry Genetics
Classification: Uncertain significance for Inborn genetic diseases. Last evaluated: 2020-01-13. Review status: criteria provided, single submitter. Criteria: Ambry Variant Classification Scheme 2023. Collection method: clinical testing. Allele origin: germline.
Comment: The c.515_523+3del12 variant results from a deletion of the last nine nucleotides of coding exon 5 and the first three nucleotides of intron 5 in the FUS gene. These nucleotide positions are well conserved on available sequence alignment. Using the BDGP and ESEfinder splice site prediction tools, this alteration is not predicted to have any significant effect on this donor splice site; however, direct evidence is unavailable. Since supporting evidence is limited at this time, the clinical significance of this alteration remains unclear.

GeneDx
Classification: Likely benign. Last evaluated: 2018-10-19. Review status: criteria provided, single submitter. Criteria: GeneDx Variant Classification Process June 2021. Collection method: clinical testing. Allele origin: germline. Affected: yes.
Comment: See Variant Classification Assertion Criteria.

Literature cited by the submitters: PubMed 36549973 (cited by Labcorp Genetics (formerly Invitae), Labcorp).